The following is an entry in ClinVar:

ClinVar aggregate classification (germline): Pathogenic (1 of 4 stars; one submission).

Conditions:
Intellectual developmental disorder, autosomal dominant 52. Also called: Mental retardation, autosomal dominant 52; Intellectual disability, autosomal dominant 52. Identifiers: MedGen C4540478, MONDO:0030918, OMIM 617796.

Submission:

Greenwood Genetic Center Diagnostic Laboratories, Greenwood Genetic Center
Classification: Pathogenic for Intellectual developmental disorder, autosomal dominant 52. Last evaluated: 2023-08-02. Review status: criteria provided, single submitter. Criteria: ACMG Guidelines, 2015. Collection method: clinical testing. Allele origin: germline. Affected: yes.
Comment: PVS1, PS2, PM2

NM_018489.3(ASH1L):c.5569_5585del (p.Pro1857fs)

Gene: ASH1L (ASH1 like histone lysine methyltransferase; minus strand). Cytogenetic location: 1q22.
Variant type: Deletion.
Coding change: c.5569_5585del on transcript NM_018489.3 (MANE Select); coding-DNA positions 5569 to 5585, 17 bases deleted (CCCCTTCAGGCTGTCGT).
Protein change: p.Pro1857fs; shifts the reading frame from proline 1857.
Molecular consequence: frameshift variant.
Genome position (GRCh38, 1-based): chr1:155,438,570-155,438,586, ACGACAGCCTGAAGGGG deleted on the plus strand (CCCCTTCAGGCTGTCGT on the coding strand, the reverse complement: ASH1L is on the minus strand); deleting any 17 consecutive bases within chr1:155,438,570-155,438,588 gives the same sequence; the c. name uses the placement nearest the transcript's 3' end. VCF-style (leftmost placement, unchanged base first): chr1-155438569-TACGACAGCCTGAAGGGG-T. GRCh37 (hg19) VCF-style: chr1-155408360-TACGACAGCCTGAAGGGG-T.
Other names: c.5569_5585del, p.Pro1857fs (NM_001366177.2); short protein forms P1857fs.
Identifiers: ClinVar variation 2626868 (VCV002626868.1), dbSNP rs2526755836, ClinGen allele CA2582342423.